The following is an entry in ClinVar:

NM_004977.3(KCNC3):c.256G>T (p.Asp86Tyr)

Gene: KCNC3 (potassium voltage-gated channel subfamily C member 3; minus strand). Cytogenetic location: 19q13.33.
Variant type: single nucleotide variant.
Coding change: c.256G>T on transcript NM_004977.3 (MANE Select); coding-DNA position 256, G replaced by T.
Protein change: p.Asp86Tyr; replaces aspartic acid 86 with tyrosine.
Molecular consequence: missense variant.
Genome position (GRCh38, 1-based): chr19:50,328,827, C>A on the plus strand (G>T on the coding strand, the complement: KCNC3 is on the minus strand). VCF-style: chr19-50328827-C-A. GRCh37 (hg19) VCF-style: chr19-50832084-C-A.
Other names: c.28G>T, p.Asp10Tyr (NM_001372305.1); short protein forms D86Y, D10Y.
Identifiers: ClinVar variation 2786261 (VCV002786261.3), dbSNP rs1384395551, ClinGen allele CA406956183.

ClinVar aggregate classification (germline): Uncertain significance (1 of 4 stars; one submission).

gnomAD v4.1: 2 of 1,495,138 alleles (0.00013%); highest among the groups gnomAD compares: Admixed American, 0.0021%; no homozygotes.

Submission:

Labcorp Genetics (formerly Invitae), Labcorp
Classification: Uncertain significance. Last evaluated: 2023-05-16. Review status: criteria provided, single submitter. Criteria: Invitae Variant Classification Sherloc (09022015). Collection method: clinical testing. Allele origin: germline.
Comment: In summary, the available evidence is currently insufficient to determine the role of this variant in disease. Therefore, it has been classified as a Variant of Uncertain Significance. Advanced modeling of protein sequence and biophysical properties (such as structural, functional, and spatial information, amino acid conservation, physicochemical variation, residue mobility, and thermodynamic stability) performed at Invitae indicates that this missense variant is expected to disrupt KCNC3 protein function. This missense change has been observed in at least one individual who was not affected with KCNC3-related conditions (Invitae). This variant has not been reported in the literature in individuals affected with KCNC3-related conditions. The frequency data for this variant in the population databases is considered unreliable, as metrics indicate poor data quality at this position in the gnomAD database. This sequence change replaces aspartic acid, which is acidic and polar, with tyrosine, which is neutral and polar, at codon 86 of the KCNC3 protein (p.Asp86Tyr).